The following is an entry in ClinVar:

ClinVar aggregate classification (germline): Uncertain significance. Review status: criteria provided, multiple submitters, no conflicts (2 of 4 stars). 4 submissions from 4 submitters: Uncertain significance (4). Last evaluated 2026-03-05.

Conditions:
Muscular dystrophy-dystroglycanopathy (congenital with brain and eye anomalies), type A14. Also called: Congenital Muscular Dystrophy-Dystroglycanopathy with Brain and Eye Anomalies Type A 14; Congenital muscular dystrophy-dystroglycanopathy with brain and eye anomalies, type A14; Muscular dystrophy-dystroglycanopathy (congenital with brain and eye anomalies), type a, 14; WALKER-WARBURG SYNDROME OR MUSCLE-EYE-BRAIN DISEASE, GMPPB-RELATED. Identifiers: Orphanet 588, MedGen C3809216, MONDO:0014140, OMIM 615350.
Muscular dystrophy-dystroglycanopathy (congenital with impaired intellectual development), type B, 14. Also called: Congenital muscular dystrophy-dystroglycanopathy with mental retardation, type B14; MUSCULAR DYSTROPHY, CONGENITAL, GMPPB-RELATED; Muscular dystrophy-dystroglycanopathy (congenital with intellectual disability), type B14. Identifiers: MedGen C3809221, MONDO:0014141, OMIM 615351.
Autosomal recessive limb-girdle muscular dystrophy type 2T. Also called: Limb-girdle muscular dystrophy-dystroglycanopathy, type C14; MUSCULAR DYSTROPHY-DYSTROGLYCANOPATHY, LIMB-GIRDLE, GMPPB-RELATED; MUSCULAR DYSTROPHY, LIMB-GIRDLE, TYPE 2T; Muscular dystrophy-dystroglycanopathy (limb-girdle), type c, 14. Identifiers: Orphanet 363623, MedGen C4518000, MONDO:0014142, OMIM 615352.
Inborn genetic diseases. Identifiers: MedGen C0950123, MeSH D030342.

Allele frequency attached by ClinVar (database versions not stated): gnomAD exomes 0.00005 and 0.00006; ExAC 0.00004; gnomAD 0.00008 and 0.00007; TOPMed 0.00008; ESP Exome Variant Server 0.00008.

Submissions (4):

GeneDx
Classification: Uncertain significance. Last evaluated: 2026-03-05. Review status: criteria provided, single submitter. Criteria: GeneDx Variant Classification Process June 2021. Collection method: clinical testing. Allele origin: germline.
Comment: Not observed at significant frequency in large population cohorts (gnomAD); In silico analysis supports that this missense variant has a deleterious effect on protein structure/function; Has not been previously published as pathogenic or benign to our knowledge

Labcorp Genetics (formerly Invitae), Labcorp
Classification: Uncertain significance for Autosomal recessive limb-girdle muscular dystrophy type 2T; Muscular dystrophy-dystroglycanopathy (congenital with brain and eye anomalies), type A14; Muscular dystrophy-dystroglycanopathy (congenital with impaired intellectual development), type B, 14. Last evaluated: 2024-05-30. Review status: criteria provided, single submitter. Criteria: Invitae Variant Classification Sherloc (09022015). Collection method: clinical testing. Allele origin: germline.
Comment: This sequence change replaces aspartic acid, which is acidic and polar, with histidine, which is basic and polar, at codon 102 of the GMPPB protein (p.Asp102His). This variant is present in population databases (rs368542417, gnomAD 0.009%). This variant has not been reported in the literature in individuals affected with GMPPB-related conditions. ClinVar contains an entry for this variant (Variation ID: 643979). Advanced modeling of protein sequence and biophysical properties (such as structural, functional, and spatial information, amino acid conservation, physicochemical variation, residue mobility, and thermodynamic stability) performed at Invitae indicates that this missense variant is not expected to disrupt GMPPB protein function with a negative predictive value of 80%. Algorithms developed to predict the effect of sequence changes on RNA splicing suggest that this variant may disrupt the consensus splice site. In summary, the available evidence is currently insufficient to determine the role of this variant in disease. Therefore, it has been classified as a Variant of Uncertain Significance.

Ambry Genetics
Classification: Uncertain significance for Inborn genetic diseases. Last evaluated: 2024-02-26. Review status: criteria provided, single submitter. Criteria: Ambry Variant Classification Scheme 2023. Collection method: clinical testing. Allele origin: germline.

Revvity Omics, Revvity
Classification: Uncertain significance. Last evaluated: 2023-11-30. Review status: criteria provided, single submitter. Criteria: ACMG Guidelines, 2015. Collection method: clinical testing. Allele origin: germline.

NM_021971.4(GMPPB):c.304G>C (p.Asp102His)

Gene: GMPPB (GDP-mannose pyrophosphorylase B; minus strand). Cytogenetic location: 3p21.31.
Variant type: single nucleotide variant.
Coding change: c.304G>C on transcript NM_021971.4 (MANE Select); coding-DNA position 304, G replaced by C.
Protein change: p.Asp102His; replaces aspartic acid 102 with histidine.
Molecular consequence: missense variant.
Genome position (GRCh38, 1-based): chr3:49,723,070, C>G on the plus strand (G>C on the coding strand, the complement: GMPPB is on the minus strand). VCF-style: chr3-49723070-C-G. GRCh37 (hg19) VCF-style: chr3-49760503-C-G.
Other names: c.304G>C (NM_013334.3, NM_013334.2); c.304G>C, p.Asp102His (NM_013334.4); short protein forms D102H.
Identifiers: ClinVar variation 643979 (VCV000643979.9), dbSNP rs368542417, ClinGen allele CA2405603.